The following is an entry in ClinVar:

NM_014908.4(DOLK):c.787A>T (p.Thr263Ser)

Gene: DOLK (dolichol kinase; minus strand). Cytogenetic location: 9q34.11.
Variant type: single nucleotide variant.
Coding change: c.787A>T on transcript NM_014908.4 (MANE Select); coding-DNA position 787, A replaced by T.
Protein change: p.Thr263Ser; replaces threonine 263 with serine.
Molecular consequence: missense variant.
Genome position (GRCh38, 1-based): chr9:128,946,517, T>A on the plus strand (A>T on the coding strand, the complement: DOLK is on the minus strand). VCF-style: chr9-128946517-T-A. GRCh37 (hg19) VCF-style: chr9-131708796-T-A.
Other names: short protein forms T263S.
Identifiers: ClinVar variation 1493534 (VCV001493534.8), dbSNP rs2131128060, ClinGen allele CA375122904.
Genomic context (GRCh38, chr9:128,946,517, plus strand): 5'-GATTCCTGCGGATGAGCCGGTGCAGCCAGGGTAGGACCACACCAAGGCTCAGCACACAGG[T>A]CATGAGGTGGAAGAAGATGGAGGAGGCCCAGGTGCCTGAGTCCATGAAGACAAACAGAGT-3'
Protein context (NP_055723.1, residues 253-273): WASSIFFHLM[Thr263Ser]CVLSLGVVLP

ClinVar aggregate classification (germline): Uncertain significance (1 of 4 stars; one submission).

Conditions:
DK1-congenital disorder of glycosylation. Also called: DK1-CDG; CDG Im; CONGENITAL DISORDER OF GLYCOSYLATION, TYPE Im; DOLK-congenital disorder of glycosylation; Carbohydrate deficient glycoprotein syndrome type 1m; DK1 DEFICIENCY. Identifiers: Orphanet 91131, MedGen C1835849, MONDO:0012556, OMIM 610768.

Allele frequency attached by ClinVar (database versions not stated): gnomAD exomes below 0.00001.

Submission:

Labcorp Genetics (formerly Invitae), Labcorp
Classification: Uncertain significance for DK1-congenital disorder of glycosylation. Last evaluated: 2020-12-13. Review status: criteria provided, single submitter. Criteria: Invitae Variant Classification Sherloc (09022015). Collection method: clinical testing. Allele origin: germline.
Comment: In summary, the available evidence is currently insufficient to determine the role of this variant in disease. Therefore, it has been classified as a Variant of Uncertain Significance. This sequence change replaces threonine with serine at codon 263 of the DOLK protein (p.Thr263Ser). The threonine residue is highly conserved and there is a small physicochemical difference between threonine and serine. This variant is not present in population databases (ExAC no frequency). This variant has not been reported in the literature in individuals with DOLK-related conditions. Algorithms developed to predict the effect of missense changes on protein structure and function output the following: SIFT: "Tolerated"; PolyPhen-2: "Benign"; Align-GVGD: "Class C0". The serine amino acid residue is found in multiple mammalian species, suggesting that this missense change does not adversely affect protein function. These predictions have not been confirmed by published functional studies and their clinical significance is uncertain.